The following is an entry in ClinVar:

NM_025137.4(SPG11):c.1347C>T (p.Thr449=)

Gene: SPG11 (SPG11 vesicle trafficking associated, spatacsin; minus strand). Cytogenetic location: 15q21.1.
Variant type: single nucleotide variant.
Coding change: c.1347C>T on transcript NM_025137.4 (MANE Select); coding-DNA position 1347, C replaced by T.
Protein change: p.Thr449=; no amino-acid change (threonine 449 retained).
Molecular consequence: synonymous variant.
Genome position (GRCh38, 1-based): chr15:44,651,600, G>A on the plus strand (C>T on the coding strand, the complement: SPG11 is on the minus strand). VCF-style: chr15-44651600-G-A. GRCh37 (hg19) VCF-style: chr15-44943798-G-A.
Other names: p.Thr449=; c.1347C>T, p.Thr449= (NM_001160227.2).
Identifiers: ClinVar variation 130363 (VCV000130363.20), dbSNP rs3759874, ClinGen allele CA155272.

ClinVar aggregate classification (germline): Benign. Review status: criteria provided, multiple submitters, no conflicts (2 of 4 stars). 13 submissions from 11 submitters: Benign (9). 4 of the submissions do not count toward it. Last evaluated 2021-12-14.

Conditions:
Charcot-Marie-Tooth disease axonal type 2X. Also called: CHARCOT-MARIE-TOOTH DISEASE, AXONAL, AUTOSOMAL RECESSIVE, TYPE 2X; CHARCOT-MARIE-TOOTH NEUROPATHY, TYPE 2X. Identifiers: Orphanet 466775, MedGen C5569024, MONDO:0014726, OMIM 616668.
Amyotrophic lateral sclerosis type 5 (ALS5). Also called: AMYOTROPHIC LATERAL SCLEROSIS 5, JUVENILE. Identifiers: Orphanet 300605, MedGen C1865864, MONDO:0011196, OMIM 602099.
Hereditary spastic paraplegia. Also called: Familial spastic paraparesis. Identifiers: Orphanet 685, MedGen C0037773, MONDO:0019064. Disease mechanism: loss of function.
Hereditary spastic paraplegia 11. Also called: Spastic paraplegia, mental retardation and thin corpus callosum; SPASTIC PARAPLEGIA, AUTOSOMAL RECESSIVE, COMPLICATED, WITH THIN CORPUS CALLOSUM; SPASTIC PARAPLEGIA, AUTOSOMAL RECESSIVE, WITH MENTAL IMPAIRMENT AND THIN CORPUS CALLOSUM; Spastic Paraplegia 11; Nakamura Osame syndrome; Autosomal recessive hereditary spastic paraplegia, mental impairment, and thin corpus callosum. Identifiers: Orphanet 2822, MedGen C1858479, MONDO:0011445, OMIM 604360.

Allele frequency attached by ClinVar (database versions not stated): ESP Exome Variant Server 0.00793; gnomAD exomes 0.01005 and 0.01843; gnomAD 0.01269 and 0.01446; TOPMed 0.01281; ExAC 0.01845; 1000 Genomes Project 30x 0.03545; 1000 Genomes Project 0.03834.
gnomAD v4.1: 17,081 of 1,614,178 alleles (1.1%); highest among the groups gnomAD compares: East Asian, 7.6%; 355 homozygotes.

Submissions (13):

Genome Diagnostics Laboratory, The Hospital for Sick Children
Classification: Benign for Hereditary spastic paraplegia. Last evaluated: 2021-12-14. Review status: criteria provided, single submitter. Criteria: ACMG Guidelines, 2015. Collection method: clinical testing. Allele origin: germline. Affected: yes.

Illumina Laboratory Services, Illumina
Classification: Benign for Hereditary spastic paraplegia 11. Last evaluated: 2018-01-12. Review status: criteria provided, single submitter. Criteria: ICSL Variant Classification Criteria 13 December 2019. Collection method: clinical testing. Allele origin: germline.
Comment: This variant was observed in the ICSL laboratory as part of a predisposition screen in an ostensibly healthy population. It had not been previously curated by ICSL or reported in the Human Gene Mutation Database (HGMD: prior to June 1st, 2018), and was therefore a candidate for classification through an automated scoring system. Utilizing variant allele frequency, disease prevalence and penetrance estimates, and inheritance mode, an automated score was calculated to assess if this variant is too frequent to cause the disease. Based on the score and internal cut-off values, a variant classified as benign is not then subjected to further curation. The score for this variant resulted in a classification of benign for this disease.

Athena Diagnostics
Classification: Benign for Hereditary spastic paraplegia 11. Last evaluated: 2017-05-15. Review status: criteria provided, single submitter. Criteria: Athena Diagnostics Criteria. Collection method: clinical testing. Allele origin: germline.

Mayo Clinic Laboratories, Mayo Clinic
Classification: Benign. Last evaluated: 2017-03-24. Review status: criteria provided, single submitter. Criteria: ACMG Guidelines, 2015. Collection method: clinical testing. Allele origin: germline. Observed: 63 variant alleles.

GeneDx
Classification: Benign. Last evaluated: 2016-05-25. Review status: criteria provided, single submitter. Criteria: GeneDx Variant Classification (06012015). Collection method: clinical testing. Allele origin: germline. Affected: yes.
Comment: This variant is considered likely benign or benign based on one or more of the following criteria: it is a conservative change, it occurs at a poorly conserved position in the protein, it is predicted to be benign by multiple in silico algorithms, and/or has population frequency not consistent with disease.

Breakthrough Genomics
Classification: Benign. Review status: criteria provided, single submitter. Criteria: ACMG Guidelines, 2015. Collection method: not provided. Allele origin: germline. Inheritance: Autosomal recessive inheritance. Affected: yes.

Genome-Nilou Lab
Classification: Benign for Amyotrophic lateral sclerosis type 5. Review status: criteria provided, single submitter. Criteria: ACMG Guidelines, 2015. Collection method: clinical testing. Allele origin: germline.

Genome-Nilou Lab
Classification: Benign for Charcot-Marie-Tooth disease axonal type 2X. Review status: criteria provided, single submitter. Criteria: ACMG Guidelines, 2015. Collection method: clinical testing. Allele origin: germline.

Genome-Nilou Lab
Classification: Benign for Hereditary spastic paraplegia 11. Review status: criteria provided, single submitter. Criteria: ACMG Guidelines, 2015. Collection method: clinical testing. Allele origin: germline.

Clinical Genetics, Academic Medical Center
Classification: Benign. Review status: no assertion criteria provided. Collection method: clinical testing. Allele origin: germline. Affected: yes. Study: VKGL Data-share Consensus. Not counted in ClinVar's aggregate classification.

Genetic Services Laboratory, University of Chicago
Classification: Likely benign for AllHighlyPenetrant. Review status: no assertion criteria provided. Collection method: clinical testing. Allele origin: germline. Inheritance: Autosomal recessive inheritance. Not counted in ClinVar's aggregate classification.
Comment: Likely benign based on allele frequency in 1000 Genomes Project or ESP global frequency and its presence in a patient with a rare or unrelated disease phenotype. NOT Sanger confirmed.

Genome Diagnostics Laboratory, Amsterdam University Medical Center
Classification: Benign. Review status: no assertion criteria provided. Collection method: clinical testing. Allele origin: germline. Affected: yes. Study: VKGL Data-share Consensus. Not counted in ClinVar's aggregate classification.

Joint Genome Diagnostic Labs from Nijmegen and Maastricht, Radboudumc and MUMC+
Classification: Benign. Review status: no assertion criteria provided. Collection method: clinical testing. Allele origin: germline. Affected: yes. Study: VKGL Data-share Consensus. Not counted in ClinVar's aggregate classification.